The following is an entry in ClinVar:

ClinVar aggregate classification (germline): Uncertain significance (1 of 4 stars; one submission).

Submission:

GeneDx
Classification: Uncertain significance. Last evaluated: 2026-04-22. Review status: criteria provided, single submitter. Criteria: GeneDx Variant Classification Process June 2021. Collection method: clinical testing. Allele origin: germline.
Comment: In silico analysis supports that this missense variant has a deleterious effect on protein structure/function; Has not been previously published as pathogenic or benign to our knowledge

NM_014975.3(MAST1):c.439G>T (p.Asp147Tyr)

Gene: MAST1 (microtubule associated serine/threonine kinase 1; plus strand). Cytogenetic location: 19p13.13.
Variant type: single nucleotide variant.
Coding change: c.439G>T on transcript NM_014975.3 (MANE Select); coding-DNA position 439, G replaced by T.
Protein change: p.Asp147Tyr; replaces aspartic acid 147 with tyrosine.
Molecular consequence: missense variant.
Genome position (GRCh38, 1-based): chr19:12,847,401, G>T. VCF-style: chr19-12847401-G-T. GRCh37 (hg19) VCF-style: chr19-12958215-G-T.
Other names: short protein forms D147Y.
Identifiers: ClinVar variation 5037748 (VCV005037748.1).